The following is an entry in ClinVar:

ClinVar aggregate classification (germline): Uncertain significance. Review status: criteria provided, multiple submitters, no conflicts (2 of 4 stars). 9 submissions from 9 submitters: Uncertain significance (8). 1 of the submissions does not count toward it. Last evaluated 2025-11-18.

Conditions:
Arrhythmogenic right ventricular dysplasia 2. Identifiers: MedGen C1832931.
Catecholaminergic polymorphic ventricular tachycardia 1. Also called: RYR2-Related Catecholaminergic Polymorphic Ventricular Tachycardia; VENTRICULAR TACHYCARDIA, CATECHOLAMINERGIC POLYMORPHIC, 1, WITH OR WITHOUT ATRIAL DYSFUNCTION AND/OR DILATED CARDIOMYOPATHY; VENTRICULAR TACHYCARDIA, STRESS-INDUCED POLYMORPHIC 1. Identifiers: Orphanet 3286, MedGen C1631597, MONDO:0011484, OMIM 604772.
Ventricular arrhythmias due to cardiac ryanodine receptor calcium release deficiency syndrome. Also called: Autosomal dominant cardiac arrhythmia (Kuhn). Identifiers: MedGen C5542154, MONDO:0020745, OMIM 115000.
Cardiovascular phenotype. Identifiers: MedGen CN230736.
Catecholaminergic polymorphic ventricular tachycardia (CVPT). Also called: Catecholamine-induced polymorphic ventricular tachycardia. Identifiers: Orphanet 3286, MedGen C5574922, MONDO:0017990.
Cardiomyopathy (CMYO). Also called: Cardiomyopathies. Identifiers: Orphanet 167848, MedGen C0878544, MONDO:0004994, HP:0001638. Inheritance: Various modes of inheritance.
Wolff-Parkinson-White pattern. Also called: WPW SYNDROME; Auriculoventricular accessory pathway syndrome; False bundle branch block syndrome; Anomalous ventricular excitation syndrome. Identifiers: MedGen C0043202, MONDO:0008685, OMIM 194200, HP:0001716.

Allele frequency attached by ClinVar (database versions not stated): gnomAD exomes below 0.00001; TOPMed 0.00002; ESP Exome Variant Server 0.00008.
gnomAD v4.1: 8 of 1,595,300 alleles (0.0005%); highest among the groups gnomAD compares: African/African-American, 0.0027%; no homozygotes.

Submissions (9):

Labcorp Genetics (formerly Invitae), Labcorp
Classification: Uncertain significance for Catecholaminergic polymorphic ventricular tachycardia 1. Last evaluated: 2025-11-18. Review status: criteria provided, single submitter. Criteria: Invitae Variant Classification Sherloc (09022015). Collection method: clinical testing. Allele origin: germline.
Comment: This sequence change replaces aspartic acid, which is acidic and polar, with glutamic acid, which is acidic and polar, at codon 3973 of the RYR2 protein (p.Asp3973Glu). This variant is not present in population databases (gnomAD no frequency). This missense change has been observed in individual(s) with clinical features of catecholaminergic polymorphic ventricular tachycardia (PMID: 29453246). ClinVar contains an entry for this variant (Variation ID: 201316). Invitae Evidence Modeling of protein sequence and biophysical properties (such as structural, functional, and spatial information, amino acid conservation, physicochemical variation, residue mobility, and thermodynamic stability) indicates that this missense variant is expected to disrupt RYR2 protein function with a positive predictive value of 95%. In summary, the available evidence is currently insufficient to determine the role of this variant in disease. Therefore, it has been classified as a Variant of Uncertain Significance.

Women's Health and Genetics/Laboratory Corporation of America, LabCorp
Classification: Uncertain significance. Last evaluated: 2025-06-05. Review status: criteria provided, single submitter. Criteria: LabCorp Variant Classification Summary - May 2015. Collection method: clinical testing. Allele origin: germline.
Comment: Variant summary: RYR2 c.11919T>G (p.Asp3973Glu) results in a conservative amino acid change in the encoded protein sequence. Algorithms developed to predict the effect of missense changes on protein structure and function are either unavailable or do not agree on the potential impact of this missense change. The variant allele was found at a frequency of 5e-06 in 1595300 control chromosomes. The available data on variant occurrences in the general population are insufficient to allow any conclusion about variant significance. c.11919T>G has been observed in individual(s) affected with Catecholaminergic Polymorphic Ventricular Tachycardia (Kapplinger_2018). These report(s) do not provide unequivocal conclusions about association of the variant with Catecholaminergic Polymorphic Ventricular Tachycardia. To our knowledge, no experimental evidence demonstrating an impact on protein function has been reported. The following publication have been ascertained in the context of this evaluation (PMID: 29453246). ClinVar contains an entry for this variant (Variation ID: 201316). Based on the evidence outlined above, the variant was classified as uncertain significance.

All of Us Research Program, National Institutes of Health
Classification: Uncertain significance for Catecholaminergic polymorphic ventricular tachycardia. Last evaluated: 2024-07-10. Review status: criteria provided, single submitter. Criteria: ACMG Guidelines, 2015. Collection method: clinical testing. Allele origin: germline. Inheritance: Autosomal dominant inheritance. Observed: 9 variant alleles, 9 heterozygotes.
Comment: This missense variant replaces aspartic acid with glutamic acid at codon 3973 of the RYR2 protein. Computational prediction suggests that this variant may have deleterious impact on protein structure and function (internally defined REVEL score threshold >= 0.7, PMID: 27666373). To our knowledge, functional studies have not been reported for this variant. This variant has been reported in an individual suspected of having catecholaminergic polymorphic ventricular tachycardia (PMID: 29453246). This variant has not been identified in the general population by the Genome Aggregation Database (gnomAD). The available evidence is insufficient to determine the role of this variant in disease conclusively. Therefore, this variant is classified as a Variant of Uncertain Significance.

This study involves interpretation of variants in research participants for the purpose of population health screening. Participant phenotype was not available at the time of variant classification. Additional details can be found in publication PMID: 35346344, PMCID: PMC8962531

Color Diagnostics, LLC DBA Color Health
Classification: Uncertain significance for Cardiomyopathy. Last evaluated: 2024-06-20. Review status: criteria provided, single submitter. Criteria: ACMG Guidelines, 2015. Collection method: clinical testing. Allele origin: germline.
Comment: This missense variant replaces aspartic acid with glutamic acid at codon 3973 of the RYR2 protein. Computational prediction suggests that this variant may have deleterious impact on protein structure and function (internally defined REVEL score threshold >= 0.7, PMID: 27666373). To our knowledge, functional studies have not been reported for this variant. This variant has been reported in an individual suspected of having catecholaminergic polymorphic ventricular tachycardia (PMID: 29453246). This variant has not been identified in the general population by the Genome Aggregation Database (gnomAD). The available evidence is insufficient to determine the role of this variant in disease conclusively. Therefore, this variant is classified as a Variant of Uncertain Significance.

Ambry Genetics
Classification: Uncertain significance for Cardiovascular phenotype. Last evaluated: 2023-09-19. Review status: criteria provided, single submitter. Criteria: Ambry Variant Classification Scheme 2023. Collection method: clinical testing. Allele origin: germline.
Comment: The p.D3973E variant (also known as c.11919T>G), located in coding exon 89 of the RYR2 gene, results from a T to G substitution at nucleotide position 11919. The aspartic acid at codon 3973 is replaced by glutamic acid, an amino acid with highly similar properties. This variant has been detected in a catecholaminergic polymorphic ventricular tachycardia (CPVT) genetic testing cohort and in an exome sequencing cohort; however, details were limited (Kapplinger JD et al. Circ Genom Precis Med, 2018 Feb;11:e001424; Landstrom AP et al. Circ Arrhythm Electrophysiol, 2017 Apr;10). This amino acid position is highly conserved in available vertebrate species. In addition, this alteration is predicted to be deleterious by in silico analysis. Since supporting evidence is limited at this time, the clinical significance of this alteration remains unclear.

AiLife Diagnostics
Classification: Uncertain significance. Last evaluated: 2021-12-30. Review status: criteria provided, single submitter. Criteria: ACMG Guidelines, 2015. Collection method: clinical testing. Allele origin: germline. Affected: yes. Observed: 3 variant alleles.

Fulgent Genetics
Classification: Uncertain significance for Ventricular arrhythmias due to cardiac ryanodine receptor calcium release deficiency syndrome; Catecholaminergic polymorphic ventricular tachycardia 1. Last evaluated: 2021-09-10. Review status: criteria provided, single submitter. Criteria: ACMG Guidelines, 2015. Collection method: clinical testing. Allele origin: unknown.

GeneDx
Classification: Uncertain significance. Last evaluated: 2016-04-14. Review status: criteria provided, single submitter. Criteria: GeneDx Variant Classification (06012015). Collection method: clinical testing. Allele origin: germline. Affected: yes.
Comment: p.Asp3973Glu (GAT>GAG): c.11919 T>G in exon 89 of the RYR2 gene (NM_001035.2). The D3973E variant in the RYR2 gene has not been reported as a disease-causing mutation or as a benign polymorphism to our knowledge. The D3973E variant is a conservative amino acid substitution as these residues share similar properties, and are least likely to impact secondary structure. In silico analysis was inconsistent with regard to the effect this variant may have on the protein structure/function. A variant affecting the same residue (D3973H), and variants affecting neighboring residues (M3972I, L3974Q) have been reported in association with CPVT (Medeiros- Domingo A et al., 2009), supporting the functional importance of this region of the protein. D3973E is located in the channel region, a mutation hotspot region of the RYR2 gene (Medeiros- Domingo A et al., 2009). The D3973E variant was not observed with any significant frequency in approximately 6,500 individuals of European and African American ancestry in the NHLBI Exome Sequencing Project. We cannot definitively determine if D3973E is a disease-causing mutation or a rare benign variant. The variant is found in CPVT panel(s).

Lupski Lab, Baylor-Hopkins CMG, Baylor College of Medicine
Classification: Uncertain significance for Wolff-Parkinson-White pattern. Last evaluated: 2017-07-14. Review status: no assertion criteria provided. Collection method: research. Allele origin: unknown. Affected: yes. Observed: 1 variant allele. Study: Candidate_variants_in_patients_with_ Wolff-Parkinson-White Syndrome. Not counted in ClinVar's aggregate classification.

Literature cited by the submitters: PubMed 29453246 (cited by 5 submitters); PubMed 28404607 (cited by Ambry Genetics); PubMed 32233023 (cited by Ambry Genetics).

NM_001035.3(RYR2):c.11919T>G (p.Asp3973Glu)

Gene: RYR2 (ryanodine receptor 2; plus strand). Cytogenetic location: 1q43.
Variant type: single nucleotide variant.
Coding change: c.11919T>G on transcript NM_001035.3 (MANE Select); coding-DNA position 11919, T replaced by G.
Protein change: p.Asp3973Glu; replaces aspartic acid 3973 with glutamic acid.
Molecular consequence: missense variant.
Genome position (GRCh38, 1-based): chr1:237,781,603, T>G. VCF-style: chr1-237781603-T-G. GRCh37 (hg19) VCF-style: chr1-237944903-T-G.
Other names: p.D3973E:GAT>GAG; c.11919T>G, p.Asp3973Glu (LRG_402t1); short protein forms D3973E.
Identifiers: ClinVar variation 201316 (VCV000201316.25), dbSNP rs370103782, ClinGen allele CA007220.